The following is an entry in ClinVar:

ClinVar aggregate classification (germline): Likely benign. Review status: criteria provided, multiple submitters, no conflicts (2 of 4 stars). 3 submissions from 3 submitters: Likely benign (2). 1 of the submissions does not count toward it. Last evaluated 2026-01-26.

Conditions:
STXBP2-related disorder. Also called: STXBP2-related condition.
Familial hemophagocytic lymphohistiocytosis 5. Also called: STXBP2-Related Familial Hemophagocytic Lymphohistiocytosis (STXBP2-fHLH). Identifiers: Orphanet 540, MedGen C2751293, MONDO:0013135, OMIM 613101.

Allele frequency attached by ClinVar (database versions not stated): gnomAD exomes 0.00001 and 0.00002; gnomAD 0.00002; TOPMed 0.00002.
gnomAD v4.1: 19 of 1,611,546 alleles (0.0012%); highest among the groups gnomAD compares: East Asian, 0.0067%; no homozygotes.

Submissions (3):

Labcorp Genetics (formerly Invitae), Labcorp
Classification: Likely benign for Familial hemophagocytic lymphohistiocytosis 5. Last evaluated: 2026-01-26. Review status: criteria provided, single submitter. Criteria: Invitae Variant Classification Sherloc (09022015). Collection method: clinical testing. Allele origin: germline.

Blueprint Genetics
Classification: Likely benign. Last evaluated: 2024-11-28. Review status: criteria provided, single submitter. Criteria: ACMG Guidelines, 2015. Collection method: clinical testing. Allele origin: germline.

PreventionGenetics, part of Exact Sciences
Classification: Likely benign for STXBP2-related condition. Last evaluated: 2023-09-16. Review status: no assertion criteria provided. Collection method: clinical testing. Allele origin: germline. Not counted in ClinVar's aggregate classification.
Comment: This variant is classified as likely benign based on ACMG/AMP sequence variant interpretation guidelines (Richards et al. 2015 PMID: 25741868, with internal and published modifications).

NM_006949.4(STXBP2):c.1108-4G>A

Gene: STXBP2 (syntaxin binding protein 2; plus strand). Cytogenetic location: 19p13.2.
Variant type: single nucleotide variant.
Coding change: c.1108-4G>A on transcript NM_006949.4 (MANE Select); 4 bases into the intron before coding-DNA position 1108, G replaced by A.
Molecular consequence: intron variant.
Genome position (GRCh38, 1-based): chr19:7,644,610, G>A. VCF-style: chr19-7644610-G-A. GRCh37 (hg19) VCF-style: chr19-7709496-G-A.
Other names: c.1141-4G>A (NM_001272034.2); c.1099-4G>A (NM_001127396.3); c.1108-4G>A (NM_006949.3).
Identifiers: ClinVar variation 1095241 (VCV001095241.12), dbSNP rs1175745070, ClinGen allele CA631326849.
Genomic context (GRCh38, chr19:7,644,610, plus strand): 5'-CCGCCTCTCCCATCCCCTTCCCTGACACATAGCGGCCGGTGGACGGCTGACCCCATGCCC[G>A]CAGGACCTGGCCATGGGCTCCGACGCAGAGGGGGAGAAGATCAAGGACTCCATGAAGCTG-3'